The following is an entry in ClinVar:

NM_000751.3(CHRND):c.148G>A (p.Glu50Lys)

Gene: CHRND (cholinergic receptor nicotinic delta subunit; plus strand). Cytogenetic location: 2q37.1.
Variant type: single nucleotide variant.
Coding change: c.148G>A on transcript NM_000751.3 (MANE Select); coding-DNA position 148, G replaced by A.
Protein change: p.Glu50Lys; replaces glutamic acid 50 with lysine.
Molecular consequence: missense variant. On other transcripts: 5 prime UTR variant (2).
Genome position (GRCh38, 1-based): chr2:232,526,624, G>A. VCF-style: chr2-232526624-G-A. GRCh37 (hg19) VCF-style: chr2-233391334-G-A.
Other names: c.148G>A (NM_000751.1); c.148G>A, p.Glu50Lys (NM_001256657.2); c.-124G>A (NM_001311195.2, NM_001311196.2); short protein forms E50K.
Identifiers: ClinVar variation 2043964 (VCV002043964.5), dbSNP rs1278901518, ClinGen allele CA350996060.
Genomic context (GRCh38, chr2:232,526,624, plus strand): 5'-CGGCACCTGTTTCAAGAGAAGGGCTACAACAAGGAGCTCCGGCCCGTGGCACACAAAGAG[G>A]AGAGTGTGGACGTTGCCCTGGCCCTCACACTCTCCAACCTCATCTCCCTGGTGAGAGGCC-3'
Protein context (NP_000742.1, residues 40-60): KELRPVAHKE[Glu50Lys]SVDVALALTL

ClinVar aggregate classification (germline): Uncertain significance. Review status: criteria provided, multiple submitters, no conflicts (2 of 4 stars). 2 submissions from 2 submitters: Uncertain significance (2). Last evaluated 2024-02-17.

Conditions:
Inborn genetic diseases. Identifiers: MedGen C0950123, MeSH D030342.
Lethal multiple pterygium syndrome (LMPS). Identifiers: Orphanet 33108, MedGen C1854678, MONDO:0009668, OMIM 253290.

Allele frequency attached by ClinVar (database versions not stated): gnomAD exomes 0.00001; TOPMed 0.00001; gnomAD 0.00005.
gnomAD v4.1: 10 of 1,613,756 alleles (0.00062%); highest among the groups gnomAD compares: Admixed American, 0.012%; no homozygotes.

Submissions (2):

Labcorp Genetics (formerly Invitae), Labcorp
Classification: Uncertain significance for Lethal multiple pterygium syndrome. Last evaluated: 2024-02-17. Review status: criteria provided, single submitter. Criteria: Invitae Variant Classification Sherloc (09022015). Collection method: clinical testing. Allele origin: germline.
Comment: This sequence change replaces glutamic acid, which is acidic and polar, with lysine, which is basic and polar, at codon 50 of the CHRND protein (p.Glu50Lys). This variant is present in population databases (no rsID available, gnomAD 0.006%). This variant has not been reported in the literature in individuals affected with CHRND-related conditions. ClinVar contains an entry for this variant (Variation ID: 2043964). Advanced modeling of protein sequence and biophysical properties (such as structural, functional, and spatial information, amino acid conservation, physicochemical variation, residue mobility, and thermodynamic stability) performed at Invitae indicates that this missense variant is not expected to disrupt CHRND protein function with a negative predictive value of 80%. In summary, the available evidence is currently insufficient to determine the role of this variant in disease. Therefore, it has been classified as a Variant of Uncertain Significance.

Ambry Genetics
Classification: Uncertain significance for Inborn genetic diseases. Last evaluated: 2023-12-07. Review status: criteria provided, single submitter. Criteria: Ambry Variant Classification Scheme 2023. Collection method: clinical testing. Allele origin: germline.